The following is an entry in ClinVar:

NM_004484.4(GPC3):c.98C>T (p.Ala33Val)

Gene: GPC3 (glypican 3; minus strand). Cytogenetic location: Xq26.2.
Variant type: single nucleotide variant.
Coding change: c.98C>T on transcript NM_004484.4 (MANE Select); coding-DNA position 98, C replaced by T.
Protein change: p.Ala33Val; replaces alanine 33 with valine.
Molecular consequence: missense variant.
Genome position (GRCh38, 1-based): chrX:133,985,352, G>A on the plus strand (C>T on the coding strand, the complement: GPC3 is on the minus strand). VCF-style: chrX-133985352-G-A. GRCh37 (hg19) VCF-style: chrX-133119379-G-A.
Other names: c.98C>T, p.Ala33Val (NM_001164617.2, NM_001164618.2, NM_001164619.2); short protein forms A33V.
Identifiers: ClinVar variation 854588 (VCV000854588.10), dbSNP rs2076563148, ClinGen allele CA414707042.

ClinVar aggregate classification (germline): Uncertain significance (1 of 4 stars; one submission).

Conditions:
Wilms tumor 1 (WT1). Also called: Wilms tumor, somatic. Identifiers: Orphanet 654, MedGen CN033288, MONDO:0008679, OMIM 194070.

Submission:

Labcorp Genetics (formerly Invitae), Labcorp
Classification: Uncertain significance for Wilms tumor 1. Last evaluated: 2023-10-22. Review status: criteria provided, single submitter. Criteria: Invitae Variant Classification Sherloc (09022015). Collection method: clinical testing. Allele origin: germline.
Comment: This sequence change replaces alanine, which is neutral and non-polar, with valine, which is neutral and non-polar, at codon 33 of the GPC3 protein (p.Ala33Val). This variant is not present in population databases (gnomAD no frequency). This variant has not been reported in the literature in individuals affected with GPC3-related conditions. ClinVar contains an entry for this variant (Variation ID: 854588). Advanced modeling of protein sequence and biophysical properties (such as structural, functional, and spatial information, amino acid conservation, physicochemical variation, residue mobility, and thermodynamic stability) performed at Invitae indicates that this missense variant is not expected to disrupt GPC3 protein function. In summary, the available evidence is currently insufficient to determine the role of this variant in disease. Therefore, it has been classified as a Variant of Uncertain Significance.